The following is an entry in ClinVar:

NM_003265.3(TLR3):c.973A>T (p.Arg325Trp)

Gene: TLR3 (toll like receptor 3; plus strand). Cytogenetic location: 4q35.1.
Variant type: single nucleotide variant.
Coding change: c.973A>T on transcript NM_003265.3 (MANE Select); coding-DNA position 973, A replaced by T.
Protein change: p.Arg325Trp; replaces arginine 325 with tryptophan.
Molecular consequence: missense variant.
Genome position (GRCh38, 1-based): chr4:186,082,659, A>T. VCF-style: chr4-186082659-A-T. GRCh37 (hg19) VCF-style: chr4-187003813-A-T.
Other names: short protein forms R325W.
Identifiers: ClinVar variation 4763733 (VCV004763733.1).

ClinVar aggregate classification (germline): Uncertain significance (1 of 4 stars; one submission).

Conditions:
Encephalopathy, acute, infection-induced (herpes-specific), susceptibility to, 1. Also called: Herpes simplex encephalitis, susceptibility to, 1. Identifiers: Orphanet 1930, MedGen C2750180, MONDO:0024563, OMIM 610551.

gnomAD v4.1: 2 of 1,613,842 alleles (0.00012%); highest among the groups gnomAD compares: Non-Finnish European, 0.000085%; no homozygotes.

Submission:

Labcorp Genetics (formerly Invitae), Labcorp
Classification: Uncertain significance for Encephalopathy, acute, infection-induced (herpes-specific), susceptibility to, 1. Last evaluated: 2025-11-11. Review status: criteria provided, single submitter. Criteria: Invitae Variant Classification Sherloc (09022015). Collection method: clinical testing. Allele origin: germline.
Comment: This sequence change replaces arginine, which is basic and polar, with tryptophan, which is neutral and slightly polar, at codon 325 of the TLR3 protein (p.Arg325Trp). This variant is not present in population databases (gnomAD no frequency). This variant has not been reported in the literature in individuals affected with TLR3-related conditions. An algorithm developed to predict the effect of missense changes on protein structure and function (PolyPhen-2) suggests that this variant is likely to be disruptive. In summary, the available evidence is currently insufficient to determine the role of this variant in disease. Therefore, it has been classified as a Variant of Uncertain Significance.